The following is an entry in ClinVar:

NM_001199753.2(CPT1C):c.558C>A (p.Tyr186Ter)

Gene: CPT1C (carnitine palmitoyltransferase 1C; plus strand). Cytogenetic location: 19q13.33.
Variant type: single nucleotide variant.
Coding change: c.558C>A on transcript NM_001199753.2 (MANE Select); coding-DNA position 558, C replaced by A.
Protein change: p.Tyr186Ter; replaces tyrosine 186 with a stop codon.
Molecular consequence: nonsense. On other transcripts: non-coding transcript variant (1).
Genome position (GRCh38, 1-based): chr19:49,701,499, C>A. VCF-style: chr19-49701499-C-A. GRCh37 (hg19) VCF-style: chr19-50204756-C-A.
Other names: c.558C>A, p.Tyr186Ter (NM_001136052.3, NM_001199752.3, NM_001378482.1 and 7 more transcripts); short protein forms Y186*.
Identifiers: ClinVar variation 2722957 (VCV002722957.3), dbSNP rs1447368316, ClinGen allele CA406900438.

ClinVar aggregate classification (germline): Pathogenic (1 of 4 stars; one submission).

Conditions:
Hereditary spastic paraplegia 73. Also called: Spastic paraplegia 73, autosomal dominant. Identifiers: Orphanet 444099, MedGen C5568981, MONDO:0014568, OMIM 616282.

gnomAD v4.1: 5 of 1,606,726 alleles (0.00031%); highest among the groups gnomAD compares: Non-Finnish European, 0.00043%; no homozygotes.

Submission:

Labcorp Genetics (formerly Invitae), Labcorp
Classification: Pathogenic for Hereditary spastic paraplegia 73. Last evaluated: 2024-01-29. Review status: criteria provided, single submitter. Criteria: Invitae Variant Classification Sherloc (09022015). Collection method: clinical testing. Allele origin: germline.
Comment: This sequence change creates a premature translational stop signal (p.Tyr186*) in the CPT1C gene. It is expected to result in an absent or disrupted protein product. Loss-of-function variants in CPT1C are known to be pathogenic (PMID: 30564185, 30911584). The frequency data for this variant in the population databases is considered unreliable, as metrics indicate poor data quality at this position in the gnomAD database. This variant has not been reported in the literature in individuals affected with CPT1C-related conditions. For these reasons, this variant has been classified as Pathogenic.

Literature cited by the submitters: PubMed 30564185; PubMed 30911584.